The following is an entry in ClinVar:

NM_002467.6(MYC):c.220C>G (p.Pro74Ala)

Gene: MYC (MYC proto-oncogene, bHLH transcription factor; plus strand). Cytogenetic location: 8q24.21.
Variant type: single nucleotide variant.
Coding change: c.220C>G on transcript NM_002467.6 (MANE Select); coding-DNA position 220, C replaced by G.
Protein change: p.Pro74Ala; replaces proline 74 with alanine.
Molecular consequence: missense variant.
Genome position (GRCh38, 1-based): chr8:127,738,437, C>G. VCF-style: chr8-127738437-C-G. GRCh37 (hg19) VCF-style: chr8-128750683-C-G.
Other names: P59A; c.217C>G, p.Pro73Ala (NM_001354870.1); short protein forms P74A, P73A.
Identifiers: ClinVar variation 12577 (VCV000012577.12), dbSNP rs121918685, ClinGen allele CA122526.

ClinVar aggregate classification (germline): other. Review status: criteria provided, single submitter (1 of 4 stars). 2 submissions from 2 submitters: other (1). 1 of the submissions does not count toward it.
ClinVar aggregate classification (oncogenicity): Likely oncogenic (1 of 4 stars; one submission).

Conditions:
Cholesteatoma of middle ear. Identifiers: MedGen C0155490, MeSH D018424, MONDO:0006533.
Burkitt lymphoma (BL). Identifiers: Orphanet 543, MedGen C0006413, MONDO:0007243, OMIM 113970, HP:0030080.
Neoplasm. Also called: Neoplasms; Neoplasm (disease); tumor. Identifiers: MedGen C0027651, MeSH D009369, MONDO:0005070, HP:0002664.

Submissions (3):

Center for Genomic Medicine, Rigshospitalet, Copenhagen University Hospital
Classification: Likely oncogenic for Neoplasm. Last evaluated: 2025-03-04. Review status: criteria provided, single submitter. Criteria: ClinGen/CGC/VICC Guidelines for Oncogenicity, 2022. Collection method: clinical testing. Allele origin: somatic. Affected: yes.

Department of Human Genetics, Nagasaki University
Classification: other for Cholesteatoma of middle ear. Review status: criteria provided, single submitter. Criteria: AMP Guidelines, 2017. Collection method: research. Allele origin: somatic. Affected: yes. Observed: 1 variant allele.
Comment: variant allele frequency in tumor is 0.157 (45/287)

OMIM
Classification: Pathogenic for BURKITT LYMPHOMA, SOMATIC. Last evaluated: 1993-09-01. Review status: no assertion criteria provided. Collection method: literature only. Allele origin: somatic. Not counted in ClinVar's aggregate classification.

Literature cited by the submitters: PubMed 37961226 (cited by Center for Genomic Medicine, Rigshospitalet, Copenhagen University Hospital); PubMed 8220424 (cited by OMIM).